The following is an entry in ClinVar:

NM_002691.4(POLD1):c.3041G>A (p.Gly1014Asp)

Gene: POLD1 (DNA polymerase delta 1, catalytic subunit; plus strand). Cytogenetic location: 19q13.33.
Variant type: single nucleotide variant.
Coding change: c.3041G>A on transcript NM_002691.4 (MANE Select); coding-DNA position 3041, G replaced by A.
Protein change: p.Gly1014Asp; replaces glycine 1014 with aspartic acid.
Molecular consequence: missense variant. On other transcripts: non-coding transcript variant (1).
Genome position (GRCh38, 1-based): chr19:50,416,697, G>A. VCF-style: chr19-50416697-G-A. GRCh37 (hg19) VCF-style: chr19-50919954-G-A.
Other names: c.3041G>A, p.Gly1014Asp (NM_001256849.1); c.3119G>A, p.Gly1040Asp (NM_001308632.1); short protein forms G1014D, G1040D.
Identifiers: ClinVar variation 375858 (VCV000375858.1), dbSNP rs1057519694, ClinGen allele CA16602356.
Genomic context (GRCh38, chr19:50,416,697, plus strand): 5'-TGCTCACGGGCAAGGTGGGCGGCCTCCTGGCCTTCGCCAAACGCCGCAACTGCTGCATTG[G>A]CTGCCGCACAGTGCTCAGCCACCAGGGTGAGCGGCCCTGGCCACTGGGCCCCCACTGGCC-3'
Protein context (NP_002682.2, residues 1004-1024): AFAKRRNCCI[Gly1014Asp]CRTVLSHQGA

ClinVar aggregate classification (germline): Uncertain significance (0 of 4 stars; one submission).

Conditions:
Colorectal cancer. Also called: Malignant Colorectal Neoplasm; Colorectal cancer, somatic. Identifiers: MedGen C0346629, MONDO:0005575, OMIM 114500.

Allele frequency attached by ClinVar (database versions not stated): gnomAD exomes below 0.00001.
gnomAD v4.1: 2 of 1,544,236 alleles (0.00013%); highest among the groups gnomAD compares: Admixed American, 0.0019%; no homozygotes.

Submission:

CSER _CC_NCGL, University of Washington
Classification: Uncertain significance for Colorectal cancer. Last evaluated: 2016-08-01. Review status: no assertion criteria provided. Collection method: research. Allele origin: germline. Inheritance: Autosomal dominant inheritance. Study: CSER - NEXT Medicine variant annotation.
Comment: Not in exonuclease domain.